The following is an entry in ClinVar:

NM_001366521.1(ATP2B1):c.1361A>G (p.Asn454Ser)

Gene: ATP2B1 (ATPase plasma membrane Ca2+ transporting 1; minus strand). Cytogenetic location: 12q21.33.
Variant type: single nucleotide variant.
Coding change: c.1361A>G on transcript NM_001366521.1 (MANE Select); coding-DNA position 1361, A replaced by G.
Protein change: p.Asn454Ser; replaces asparagine 454 with serine.
Molecular consequence: missense variant.
Genome position (GRCh38, 1-based): chr12:89,621,775, T>C on the plus strand (A>G on the coding strand, the complement: ATP2B1 is on the minus strand). VCF-style: chr12-89621775-T-C. GRCh37 (hg19) VCF-style: chr12-90015552-T-C.
Other names: c.1361A>G, p.Asn454Ser (NM_001001323.2, NM_001366520.1, NM_001366522.1 and 12 more transcripts); c.1163A>G, p.Asn388Ser (NM_001366530.1, NM_001413053.1); c.800A>G, p.Asn267Ser (NM_001366531.1, NM_001366532.1, NM_001413058.1 and 2 more transcripts); c.1322A>G, p.Asn441Ser (NM_001413048.1); c.1220A>G, p.Asn407Ser (NM_001413051.1, NM_001413052.1, NM_001413055.1); c.1106A>G, p.Asn369Ser (NM_001413056.1); c.908A>G, p.Asn303Ser (NM_001413057.1); short protein forms N454S, N267S, N369S, N388S, N407S, N303S, N441S.
Identifiers: ClinVar variation 1957331 (VCV001957331.5), dbSNP rs2541034634, ClinGen allele CA386125723.
Genomic context (GRCh38, chr12:89,621,775, plus strand): 5'-GAACAAATAGCTGTAGCATTTCCCATGGTTTCACAAGCATCCAGATGCCTTACTAAGTTA[T>C]TATCTTTCATCATTTTCTACAGTGACCAAAAAAAAAAAACTAGTTAAGCTGCATATAAAA-3'
Protein context (NP_001353450.1, residues 444-464): AYSVKKMMKD[Asn454Ser]NLVRHLDACE

ClinVar aggregate classification (germline): Uncertain significance (1 of 4 stars; one submission).

Submission:

Labcorp Genetics (formerly Invitae), Labcorp
Classification: Uncertain significance. Last evaluated: 2022-06-25. Review status: criteria provided, single submitter. Criteria: Invitae Variant Classification Sherloc (09022015). Collection method: clinical testing. Allele origin: germline.
Comment: In summary, the available evidence is currently insufficient to determine the role of this variant in disease. Therefore, it has been classified as a Variant of Uncertain Significance. Algorithms developed to predict the effect of missense changes on protein structure and function are either unavailable or do not agree on the potential impact of this missense change (SIFT: "Tolerated"; PolyPhen-2: "Probably Damaging"; Align-GVGD: "Class C0"). This variant has not been reported in the literature in individuals affected with ATP2B1-related conditions. This variant is not present in population databases (gnomAD no frequency). This sequence change replaces asparagine, which is neutral and polar, with serine, which is neutral and polar, at codon 454 of the ATP2B1 protein (p.Asn454Ser).